The following is an entry in ClinVar:

NC_000011.9:g.(?_111957622)_(111965704_?)dup

Genes: SDHD (succinate dehydrogenase complex subunit D; plus strand), LOC126861339 (BRD4-independent group 4 enhancer GRCh37_chr11:111957035-111958234; plus strand). Cytogenetic location: 11q23.1.
Variant type: Duplication.
Identifiers: ClinVar variation 583927 (VCV000583927.1).

ClinVar aggregate classification (germline): Uncertain significance (1 of 4 stars; one submission).

Conditions:
Carney-Stratakis syndrome. Also called: PARAGANGLIOMA AND GASTROINTESTINAL STROMAL TUMOR. Identifiers: Orphanet 97286, MedGen C1847319, MONDO:0011740, OMIM 606864.
Cowden syndrome 3 (CWS3). Identifiers: Orphanet 201, MedGen CN166604, MONDO:0014045.
Pheochromocytoma. Also called: MAX-Related Hereditary Paraganglioma-Pheochromocytoma Syndrome. Identifiers: Orphanet 29072, MedGen C0031511, MONDO:0008233, OMIM 171300, HP:0002666.
Pheochromocytoma/paraganglioma syndrome 1. Also called: PARAGANGLIOMAS, FAMILIAL NONCHROMAFFIN, 1; PGL 1; Paragangliomas familial 1; SDHD-Related Hereditary Paraganglioma-Pheochromocytoma Syndrome; Paragangliomas 1; Glomus tumors familial 1. Identifiers: Orphanet 29072, MedGen C3494181, MONDO:0008192, OMIM 168000.

Submission:

Labcorp Genetics (formerly Invitae), Labcorp
Classification: Uncertain significance for Paraganglioma and gastric stromal sarcoma; Paragangliomas 1; Pheochromocytoma; Cowden syndrome 3. Last evaluated: 2018-06-12. Review status: criteria provided, single submitter. Criteria: Invitae Variant Classification Sherloc (09022015). Collection method: clinical testing. Allele origin: germline.
Comment: This variant results in a copy number gain of the genomic region encompassing the full coding sequence of the SDHD gene. The boundaries of this event are unknown as they extend beyond the assayed region for this gene and therefore may encompass additional genes. As the precise location of this event is unknown, it may be in tandem or it may be located elsewhere in the genome. This variant has not been reported in the literature in individuals with SDHD-related disease. In summary, the available evidence is currently insufficient to determine the role of this variant in disease. Therefore, it has been classified as a Variant of Uncertain Significance.